The following is an entry in ClinVar:

NM_002880.4(RAF1):c.1668+6T>A

Gene: RAF1 (Raf-1 proto-oncogene, serine/threonine kinase; minus strand). Cytogenetic location: 3p25.2.
Variant type: single nucleotide variant.
Coding change: c.1668+6T>A on transcript NM_002880.4 (MANE Select); 6 bases into the intron after coding-DNA position 1668, T replaced by A.
Molecular consequence: intron variant.
Genome position (GRCh38, 1-based): chr3:12,585,116, A>T on the plus strand (T>A on the coding strand, the complement: RAF1 is on the minus strand). VCF-style: chr3-12585116-A-T. GRCh37 (hg19) VCF-style: chr3-12626615-A-T.
Other names: c.1326+6T>A (NM_001354695.3); c.1425+6T>A (NM_001354692.3, NM_001354691.3); c.1485+6T>A (NM_001354694.3); c.1569+6T>A (NM_001354693.3); c.1728+6T>A (NM_001354689.3); c.1668+6T>A (NM_001354690.3).
Identifiers: ClinVar variation 4716889 (VCV004716889.1).

ClinVar aggregate classification (germline): Uncertain significance (1 of 4 stars; one submission).

Conditions:
RASopathy. Also called: rasopathies; Noonan spectrum disorder. Identifiers: Orphanet 536391, MedGen C5555857, MONDO:0021060.

Submission:

Labcorp Genetics (formerly Invitae), Labcorp
Classification: Uncertain significance for RASopathy. Last evaluated: 2025-04-13. Review status: criteria provided, single submitter. Criteria: Invitae Variant Classification Sherloc (09022015). Collection method: clinical testing. Allele origin: germline.
Comment: This sequence change falls in intron 15 of the RAF1 gene. It does not directly change the encoded amino acid sequence of the RAF1 protein. It affects a nucleotide within the consensus splice site. This variant is not present in population databases (gnomAD no frequency). This variant has not been reported in the literature in individuals affected with RAF1-related conditions. Variants that disrupt the consensus splice site are a relatively common cause of aberrant splicing (PMID: 17576681, 9536098). Algorithms developed to predict the effect of sequence changes on RNA splicing suggest that this variant is not likely to affect RNA splicing. In summary, the available evidence is currently insufficient to determine the role of this variant in disease. Therefore, it has been classified as a Variant of Uncertain Significance.

Literature cited by the submitters: PubMed 17576681; PubMed 9536098.